The following is an entry in ClinVar:

ClinVar aggregate classification (germline): Pathogenic/Likely pathogenic. Review status: criteria provided, multiple submitters, no conflicts (2 of 4 stars). 2 submissions from 2 submitters: Pathogenic (1); Likely pathogenic (1). Last evaluated 2021-11-26.

Conditions:
Deficiency of guanidinoacetate methyltransferase (CCDS2). Also called: GAMT DEFICIENCY; CEREBRAL CREATINE DEFICIENCY SYNDROME 2; Guanidinoacetate Methyltransferase (GAMT) Deficiency. Identifiers: Orphanet 382, MedGen C0574080, MONDO:0012999, OMIM 612736.
Cerebral creatine deficiency syndrome. Also called: Creatine deficiency syndromes. Identifiers: Orphanet 79172, MedGen C5244016, MONDO:0000456.

Submissions (2):

Labcorp Genetics (formerly Invitae), Labcorp
Classification: Pathogenic for Cerebral creatine deficiency syndrome. Last evaluated: 2021-11-26. Review status: criteria provided, single submitter. Criteria: Invitae Variant Classification Sherloc (09022015). Collection method: clinical testing. Allele origin: germline.
Comment: ClinVar contains an entry for this variant (Variation ID: 1075552). For these reasons, this variant has been classified as Pathogenic. This variant has not been reported in the literature in individuals affected with GAMT-related conditions. The frequency data for this variant in the population databases is considered unreliable, as metrics indicate poor data quality at this position in the gnomAD database. This sequence change creates a premature translational stop signal (p.Ala22Argfs*20) in the GAMT gene. It is expected to result in an absent or disrupted protein product. Loss-of-function variants in GAMT are known to be pathogenic (PMID: 15108290).

Neuberg Centre For Genomic Medicine, NCGM
Classification: Likely pathogenic for Deficiency of guanidinoacetate methyltransferase. Review status: criteria provided, single submitter. Criteria: ACMG Guidelines, 2015. Collection method: clinical testing. Allele origin: germline. Inheritance: Autosomal recessive inheritance. Affected: yes.
Comment: The observed frameshift variant c.64del(p.Ala22ArgfsTer20) in GAMT gene has not been reported previously as a pathogenic variant nor as a benign variant, to our knowledge. The c.64del variant has 0.001% allele frequency in gnomAD Exomes. This variant has been reported to the ClinVar database as Pathogenic. However, study on multiple affected individuals and functional impact of the variant is not available. This variant causes a frameshift starting with codon Alanine 22, changes this amino acid to Arginine residue, and creates a premature Stop codon at position 20 of the new reading frame, denoted p.Ala22ArgfsTer20. This variant is predicted to cause loss of normal protein function through protein truncation. Loss of function variants have been previously reported to be disease causing (Item CB, et al., 2004). For these reasons, this variant has been classified as Likely Pathogenic.

Literature cited by the submitters: PubMed 15108290 (cited by Labcorp Genetics (formerly Invitae), Labcorp).

NM_000156.6(GAMT):c.64del (p.Ala22fs)

Genes: GAMT (guanidinoacetate N-methyltransferase; minus strand), LOC130062945 (ATAC-STARR-seq lymphoblastoid silent region 9707; plus strand). Cytogenetic location: 19p13.3.
Variant type: Deletion.
Coding change: c.64del on transcript NM_000156.6 (MANE Select); coding-DNA position 64, one base deleted (G; older notation c.64delG).
Protein change: p.Ala22fs; shifts the reading frame from alanine 22.
Molecular consequence: frameshift variant.
Genome position (GRCh38, 1-based): chr19:1,401,413, C deleted on the plus strand (G on the coding strand, the reverse complement: GAMT is on the minus strand); the first of 6 consecutive C bases (chr19:1,401,413-1,401,418); deleting any one gives the same sequence. VCF-style (leftmost placement, unchanged base first): chr19-1401412-GC-G. GRCh37 (hg19) VCF-style: chr19-1401411-GC-G.
Other names: c.64del, p.Ala22fs (NM_138924.3); short protein forms A22fs.
Identifiers: ClinVar variation 1075552 (VCV001075552.9), dbSNP rs1569009071, ClinGen allele CA631301050.